The following is an entry in ClinVar:

ClinVar aggregate classification (germline): Uncertain significance. Review status: criteria provided, single submitter (1 of 4 stars). 2 submissions from 2 submitters: Uncertain significance (1). 1 of the submissions does not count toward it. Last evaluated 2022-07-12.

Conditions:
Autosomal recessive limb-girdle muscular dystrophy type 2B (LGMDR2). Also called: Limb-girdle muscular dystrophy, type 2B; MUSCULAR DYSTROPHY, LIMB-GIRDLE, AUTOSOMAL RECESSIVE 2; MUSCULAR DYSTROPHY, LIMB-GIRDLE, TYPE 3; Limb-Girdle Muscular Dystrophy Type 2B (LGMD2B). Identifiers: Orphanet 268, MedGen C1850889, MONDO:0009676, OMIM 253601.
Neuromuscular disease caused by qualitative or quantitative defects of dysferlin. Also called: Dysferlinopathy; Qualitative or quantitative defects of dysferlin. Identifiers: Orphanet 207073, MedGen C2931687, MONDO:0016145.

Allele frequency attached by ClinVar (database versions not stated): TOPMed below 0.00001; gnomAD 0.00001.
gnomAD v4.1: 1 of 1,613,988 alleles (0.000062%); highest among the groups gnomAD compares: Non-Finnish European, 0.000085%; no homozygotes.

Submissions (2):

Labcorp Genetics (formerly Invitae), Labcorp
Classification: Uncertain significance for Neuromuscular disease caused by qualitative or quantitative defects of dysferlin. Last evaluated: 2022-07-12. Review status: criteria provided, single submitter. Criteria: Invitae Variant Classification Sherloc (09022015). Collection method: clinical testing. Allele origin: germline.
Comment: This sequence change falls in intron 46 of the DYSF gene. It does not directly change the encoded amino acid sequence of the DYSF protein. It affects a nucleotide within the consensus splice site. This variant is not present in population databases (gnomAD no frequency). This variant has not been reported in the literature in individuals affected with DYSF-related conditions. ClinVar contains an entry for this variant (Variation ID: 1045285). Variants that disrupt the consensus splice site are a relatively common cause of aberrant splicing (PMID: 17576681, 9536098). Algorithms developed to predict the effect of sequence changes on RNA splicing suggest that this variant is not likely to affect RNA splicing. In summary, the available evidence is currently insufficient to determine the role of this variant in disease. Therefore, it has been classified as a Variant of Uncertain Significance.

Natera, Inc.
Classification: Uncertain significance for Limb-girdle muscular dystrophy type 2B. Last evaluated: 2020-08-10. Review status: no assertion criteria provided. Collection method: clinical testing. Allele origin: germline. Not counted in ClinVar's aggregate classification.

Literature cited by the submitters: PubMed 17576681 (cited by Labcorp Genetics (formerly Invitae), Labcorp); PubMed 9536098 (cited by Labcorp Genetics (formerly Invitae), Labcorp).

NM_001130987.2(DYSF):c.5317+6C>G

Gene: DYSF (dysferlin; plus strand). Cytogenetic location: 2p13.2.
Variant type: single nucleotide variant.
Coding change: c.5317+6C>G on transcript NM_001130987.2 (MANE Select); 6 bases into the intron after coding-DNA position 5317, C replaced by G.
Molecular consequence: intron variant.
Genome position (GRCh38, 1-based): chr2:71,665,310, C>G. VCF-style: chr2-71665310-C-G. GRCh37 (hg19) VCF-style: chr2-71892440-C-G.
Other names: c.5293+6C>G (NM_001130979.2); c.5314+6C>G (NM_001130981.2); c.5251+6C>G (NM_001130980.2); c.5263+6C>G (NM_001130978.2); c.5200+6C>G (NM_003494.4); c.5221+6C>G (NM_001130977.2); c.5158+6C>G (NM_001130976.2); c.5296+6C>G (NM_001130982.2); and 5 more.
Identifiers: ClinVar variation 1045285 (VCV001045285.8), dbSNP rs1289453214, ClinGen allele CA892677439.
Genomic context (GRCh38, chr2:71,665,310, plus strand): 5'-TACCGGACAGACCGTGTAATGTTTCAGGATAAAGAATATTCCATTGAAGAGATAGGTGAG[C>G]TGCCACATGACCCCAAACCATGGTGGGCTCTCGCTGTATCCCTCCCTCTCTCATCAGACC-3'